The following is an entry in ClinVar:

ClinVar aggregate classification (germline): Uncertain significance. Review status: criteria provided, multiple submitters, no conflicts (2 of 4 stars). 2 submissions from 2 submitters: Uncertain significance (2). Last evaluated 2025-09-05.

Allele frequency attached by ClinVar (database versions not stated): gnomAD exomes 0.00001; ExAC 0.00003; gnomAD 0.00009; TOPMed 0.00009; 1000 Genomes Project 30x 0.00016; 1000 Genomes Project 0.00020.
gnomAD v4.1: 28 of 1,613,920 alleles (0.0017%); highest among the groups gnomAD compares: African/African-American, 0.032%; no homozygotes.

Submissions (2):

Ambry Genetics
Classification: Uncertain significance. Last evaluated: 2025-09-05. Review status: criteria provided, single submitter. Criteria: Ambry Variant Classification Scheme 2023. Collection method: clinical testing. Allele origin: germline.

GeneDx
Classification: Uncertain significance. Last evaluated: 2022-09-27. Review status: criteria provided, single submitter. Criteria: GeneDx Variant Classification Process June 2021. Collection method: clinical testing. Allele origin: germline. Affected: yes.
Comment: In silico analysis supports that this missense variant does not alter protein structure/function; Has not been previously published as pathogenic or benign to our knowledge; Variants in candidate genes are classified as variants of uncertain significance in accordance with ACMG guidelines (Richards et al., 2015)

NM_024721.5(ZFHX4):c.1751G>C (p.Ser584Thr)

Gene: ZFHX4 (zinc finger homeobox 4; plus strand). Cytogenetic location: 8q21.13.
Variant type: single nucleotide variant.
Coding change: c.1751G>C on transcript NM_024721.5 (MANE Select); coding-DNA position 1751, G replaced by C.
Protein change: p.Ser584Thr; replaces serine 584 with threonine.
Molecular consequence: missense variant.
Genome position (GRCh38, 1-based): chr8:76,705,839, G>C. VCF-style: chr8-76705839-G-C. GRCh37 (hg19) VCF-style: chr8-77618074-G-C.
Other names: c.1751G>C, p.Ser584Thr (NM_001410934.1); short protein forms S584T.
Identifiers: ClinVar variation 2297835 (VCV002297835.4), dbSNP rs577863838, ClinGen allele CA4786899.